The following is an entry in ClinVar:

ClinVar aggregate classification (germline): Uncertain significance (1 of 4 stars; one submission).

Allele frequency attached by ClinVar (database versions not stated): gnomAD exomes below 0.00001 and 0.00001; TOPMed below 0.00001; ExAC 0.00001; gnomAD 0.00001; ESP Exome Variant Server 0.00015.
gnomAD v4.1: 4 of 1,613,876 alleles (0.00025%); highest among the groups gnomAD compares: African/African-American, 0.0013%; no homozygotes.

Submission:

Labcorp Genetics (formerly Invitae), Labcorp
Classification: Uncertain significance. Last evaluated: 2022-02-21. Review status: criteria provided, single submitter. Criteria: Invitae Variant Classification Sherloc (09022015). Collection method: clinical testing. Allele origin: germline.
Comment: This sequence change replaces aspartic acid, which is acidic and polar, with glycine, which is neutral and non-polar, at codon 412 of the C8B protein (p.Asp412Gly). This variant is present in population databases (rs374700138, gnomAD 0.01%). This variant has not been reported in the literature in individuals affected with C8B-related conditions. Algorithms developed to predict the effect of missense changes on protein structure and function output the following: SIFT: "Deleterious"; PolyPhen-2: "Benign"; Align-GVGD: "Class C0". The glycine amino acid residue is found in multiple mammalian species, which suggests that this missense change does not adversely affect protein function. Algorithms developed to predict the effect of sequence changes on RNA splicing suggest that this variant may disrupt the consensus splice site. In summary, the available evidence is currently insufficient to determine the role of this variant in disease. Therefore, it has been classified as a Variant of Uncertain Significance.

NM_000066.4(C8B):c.1235A>G (p.Asp412Gly)

Gene: C8B (complement C8 beta chain; minus strand). Cytogenetic location: 1p32.2.
Variant type: single nucleotide variant.
Coding change: c.1235A>G on transcript NM_000066.4 (MANE Select); coding-DNA position 1235, A replaced by G.
Protein change: p.Asp412Gly; replaces aspartic acid 412 with glycine.
Molecular consequence: missense variant.
Genome position (GRCh38, 1-based): chr1:56,941,012, T>C on the plus strand (A>G on the coding strand, the complement: C8B is on the minus strand). VCF-style: chr1-56941012-T-C. GRCh37 (hg19) VCF-style: chr1-57406685-T-C.
Other names: c.1079A>G, p.Asp360Gly (NM_001278543.2); c.1049A>G, p.Asp350Gly (NM_001278544.2); short protein forms D412G, D350G, D360G.
Identifiers: ClinVar variation 1440413 (VCV001440413.7), dbSNP rs374700138, ClinGen allele CA875699.